The following is an entry in ClinVar:

NM_198334.3(GANAB):c.2371C>G (p.Leu791Val)

Gene: GANAB (glucosidase II alpha subunit; minus strand). Cytogenetic location: 11q12.3.
Variant type: single nucleotide variant.
Coding change: c.2371C>G on transcript NM_198334.3 (MANE Select); coding-DNA position 2371, C replaced by G.
Protein change: p.Leu791Val; replaces leucine 791 with valine.
Molecular consequence: missense variant.
Genome position (GRCh38, 1-based): chr11:62,626,886, G>C on the plus strand (C>G on the coding strand, the complement: GANAB is on the minus strand). VCF-style: chr11-62626886-G-C. GRCh37 (hg19) VCF-style: chr11-62394358-G-C.
Other names: c.2095C>G, p.Leu699Val (NM_001278192.2); c.2029C>G, p.Leu677Val (NM_001278193.2); c.2080C>G, p.Leu694Val (NM_001278194.2, NM_001329222.2, NM_001329223.2); c.1648C>G, p.Leu550Val (NM_001329224.2, NM_001329225.2); c.2437C>G, p.Leu813Val (NM_198335.4); short protein forms L677V, L694V, L550V, L699V, L813V, L791V.
Identifiers: ClinVar variation 2802296 (VCV002802296.3), dbSNP rs773955283, ClinGen allele CA380987955.

ClinVar aggregate classification (germline): Uncertain significance (1 of 4 stars; one submission).

gnomAD v4.1: 5 of 1,612,294 alleles (0.00031%); highest among the groups gnomAD compares: South Asian, 0.0044%; no homozygotes.

Submission:

Labcorp Genetics (formerly Invitae), Labcorp
Classification: Uncertain significance. Last evaluated: 2024-01-14. Review status: criteria provided, single submitter. Criteria: Invitae Variant Classification Sherloc (09022015). Collection method: clinical testing. Allele origin: germline.
Comment: This sequence change replaces leucine, which is neutral and non-polar, with valine, which is neutral and non-polar, at codon 813 of the GANAB protein (p.Leu813Val). This variant is not present in population databases (gnomAD no frequency). This variant has not been reported in the literature in individuals affected with GANAB-related conditions. Advanced modeling of protein sequence and biophysical properties (such as structural, functional, and spatial information, amino acid conservation, physicochemical variation, residue mobility, and thermodynamic stability) performed at Invitae indicates that this missense variant is not expected to disrupt GANAB protein function with a negative predictive value of 80%. In summary, the available evidence is currently insufficient to determine the role of this variant in disease. Therefore, it has been classified as a Variant of Uncertain Significance.